The following is an entry in ClinVar:

NM_001845.6(COL4A1):c.1129G>A (p.Val377Ile)

Gene: COL4A1 (collagen type IV alpha 1 chain; minus strand). Cytogenetic location: 13q34.
Variant type: single nucleotide variant.
Coding change: c.1129G>A on transcript NM_001845.6 (MANE Select); coding-DNA position 1129, G replaced by A.
Protein change: p.Val377Ile; replaces valine 377 with isoleucine.
Molecular consequence: missense variant.
Genome position (GRCh38, 1-based): chr13:110,198,623, C>T on the plus strand (G>A on the coding strand, the complement: COL4A1 is on the minus strand). VCF-style: chr13-110198623-C-T. GRCh37 (hg19) VCF-style: chr13-110850970-C-T.
Other names: c.1129G>A, p.Val377Ile (NM_001303110.2); short protein forms V377I.
Identifiers: ClinVar variation 1349260 (VCV001349260.6), dbSNP rs2139187481, ClinGen allele CA388724202.

ClinVar aggregate classification (germline): Uncertain significance (1 of 4 stars; one submission).

Submission:

Labcorp Genetics (formerly Invitae), Labcorp
Classification: Uncertain significance. Last evaluated: 2024-04-25. Review status: criteria provided, single submitter. Criteria: Invitae Variant Classification Sherloc (09022015). Collection method: clinical testing. Allele origin: germline.
Comment: This sequence change replaces valine, which is neutral and non-polar, with isoleucine, which is neutral and non-polar, at codon 377 of the COL4A1 protein (p.Val377Ile). This variant is not present in population databases (gnomAD no frequency). This variant has not been reported in the literature in individuals affected with COL4A1-related conditions. ClinVar contains an entry for this variant (Variation ID: 1349260). Advanced modeling of protein sequence and biophysical properties (such as structural, functional, and spatial information, amino acid conservation, physicochemical variation, residue mobility, and thermodynamic stability) performed at Invitae indicates that this missense variant is not expected to disrupt COL4A1 protein function with a negative predictive value of 95%. In summary, the available evidence is currently insufficient to determine the role of this variant in disease. Therefore, it has been classified as a Variant of Uncertain Significance.